The following is an entry in ClinVar:

ClinVar aggregate classification (germline): Conflicting classifications of pathogenicity. Review status: criteria provided, conflicting classifications (1 of 4 stars). 6 submissions from 6 submitters: Uncertain significance (2); Likely benign (3). 1 of the submissions does not count toward it. Last evaluated 2025-12-08.

Conditions:
SYNE1-related disorder. Also called: SYNE1-related disease; SYNE1-related condition; SYNE1-related disorders.
Autosomal recessive ataxia, Beauce type. Also called: SYNE1-Related Autosomal Recessive Cerebellar Ataxia; Spinocerebellar ataxia, autosomal recessive 8; SYNE1 Deficiency; ATAXIA, RECESSIVE, OF BEAUCE. Identifiers: Orphanet 88644, MedGen C1853116, MONDO:0012549, OMIM 610743.
Emery-Dreifuss muscular dystrophy 4, autosomal dominant (EDMD4). Also called: EMERY-DREIFUSS MUSCULAR DYSTROPHY 4 WITH VARIABLE FEATURES. Identifiers: Orphanet 261, MedGen C2751807, MONDO:0013071, OMIM 612998.

Allele frequency attached by ClinVar (database versions not stated): gnomAD 0.00010; TOPMed 0.00020; 1000 Genomes Project 0.00060; 1000 Genomes Project 30x 0.00062; ESP Exome Variant Server 0.00062.
gnomAD v4.1: 797 of 1,614,128 alleles (0.049%); highest among the groups gnomAD compares: South Asian, 0.26%; 1 homozygote.

Submissions (6):

Labcorp Genetics (formerly Invitae), Labcorp
Classification: Likely benign for Emery-Dreifuss muscular dystrophy 4, autosomal dominant; Autosomal recessive ataxia, Beauce type. Last evaluated: 2025-12-08. Review status: criteria provided, single submitter. Criteria: Invitae Variant Classification Sherloc (09022015). Collection method: clinical testing. Allele origin: germline.

Blueprint Genetics
Classification: Likely benign. Last evaluated: 2024-10-03. Review status: criteria provided, single submitter. Criteria: ACMG Guidelines, 2015. Collection method: clinical testing. Allele origin: germline.

GeneDx
Classification: Uncertain significance. Last evaluated: 2024-09-13. Review status: criteria provided, single submitter. Criteria: GeneDx Variant Classification Process June 2021. Collection method: clinical testing. Allele origin: germline. Affected: yes.
Comment: Reported previously as a heterozygous variant in a patient with congenital weakness, respiratory failure, skeletal dysplasia, contractures, short stature, intellectual delay, and amenorrhea; however, other variants were also reported including biallelic variants in SOX8 that were thought to be the cause of the symptoms (PMID: 38235364); In silico analysis supports that this missense variant has a deleterious effect on protein structure/function; This variant is associated with the following publications: (PMID: 38235364)

Athena Diagnostics
Classification: Likely benign. Last evaluated: 2021-03-19. Review status: criteria provided, single submitter. Criteria: Athena Diagnostics criteria. Collection method: clinical testing. Allele origin: unknown.

Eurofins Ntd Llc (ga)
Classification: Uncertain significance. Last evaluated: 2016-12-02. Review status: criteria provided, single submitter. Criteria: EGL Classification Definitions 2015. Collection method: clinical testing. Allele origin: germline. Observed: 6 variant alleles, 6 heterozygotes.

PreventionGenetics, part of Exact Sciences
Classification: Likely benign for SYNE1-related condition. Last evaluated: 2023-08-15. Review status: no assertion criteria provided. Collection method: clinical testing. Allele origin: germline. Not counted in ClinVar's aggregate classification.
Comment: This variant is classified as likely benign based on ACMG/AMP sequence variant interpretation guidelines (Richards et al. 2015 PMID: 25741868, with internal and published modifications).

NM_182961.4(SYNE1):c.8360C>T (p.Thr2787Met)

Gene: SYNE1 (spectrin repeat containing nuclear envelope protein 1; minus strand). Cytogenetic location: 6q25.2.
Variant type: single nucleotide variant.
Coding change: c.8360C>T on transcript NM_182961.4 (MANE Select); coding-DNA position 8360, C replaced by T.
Protein change: p.Thr2787Met; replaces threonine 2787 with methionine.
Molecular consequence: missense variant.
Genome position (GRCh38, 1-based): chr6:152,387,199, G>A on the plus strand (C>T on the coding strand, the complement: SYNE1 is on the minus strand). VCF-style: chr6-152387199-G-A. GRCh37 (hg19) VCF-style: chr6-152708334-G-A.
Other names: c.8381C>T, p.Thr2794Met (NM_033071.5); short protein forms T2787M, T2794M.
Identifiers: ClinVar variation 282295 (VCV000282295.19), dbSNP rs142676206, ClinGen allele CA4057566.